The following is an entry in ClinVar:

ClinVar aggregate classification (germline): Uncertain significance (1 of 4 stars; one submission).

Conditions:
Primary ciliary dyskinesia. Also called: Ciliary dyskinesia. Identifiers: Orphanet 244, MedGen C0008780, MONDO:0016575, HP:0012265.

Allele frequency attached by ClinVar (database versions not stated): ExAC 0.00002.
gnomAD v4.1: 26 of 1,596,386 alleles (0.0016%); highest among the groups gnomAD compares: East Asian, 0.036%; no homozygotes.

Submission:

Labcorp Genetics (formerly Invitae), Labcorp
Classification: Uncertain significance for Primary ciliary dyskinesia. Last evaluated: 2023-12-11. Review status: criteria provided, single submitter. Criteria: Invitae Variant Classification Sherloc (09022015). Collection method: clinical testing. Allele origin: germline.
Comment: This sequence change replaces glycine, which is neutral and non-polar, with cysteine, which is neutral and slightly polar, at codon 2109 of the DNAH8 protein (p.Gly2109Cys). This variant is present in population databases (rs748575207, gnomAD 0.03%). This variant has not been reported in the literature in individuals affected with DNAH8-related conditions. ClinVar contains an entry for this variant (Variation ID: 1353364). Advanced modeling of protein sequence and biophysical properties (such as structural, functional, and spatial information, amino acid conservation, physicochemical variation, residue mobility, and thermodynamic stability) performed at Invitae indicates that this missense variant is expected to disrupt DNAH8 protein function with a positive predictive value of 80%. In summary, the available evidence is currently insufficient to determine the role of this variant in disease. Therefore, it has been classified as a Variant of Uncertain Significance.

NM_001206927.2(DNAH8):c.6325G>T (p.Gly2109Cys)

Gene: DNAH8 (dynein axonemal heavy chain 8; plus strand). Cytogenetic location: 6p21.2.
Variant type: single nucleotide variant.
Coding change: c.6325G>T on transcript NM_001206927.2 (MANE Select); coding-DNA position 6325, G replaced by T.
Protein change: p.Gly2109Cys; replaces glycine 2109 with cysteine.
Molecular consequence: missense variant.
Genome position (GRCh38, 1-based): chr6:38,863,887, G>T. VCF-style: chr6-38863887-G-T. GRCh37 (hg19) VCF-style: chr6-38831663-G-T.
Other names: c.5674G>T, p.Gly1892Cys (NM_001371.4); short protein forms G1892C, G2109C.
Identifiers: ClinVar variation 1353364 (VCV001353364.6), dbSNP rs748575207, ClinGen allele CA3789636.